The following is an entry in ClinVar:

NM_007294.4(BRCA1):c.3613G>T (p.Gly1205Trp)

Genes: BRCA1 (BRCA1 DNA repair associated; minus strand), LOC126862571 (BRD4-independent group 4 enhancer GRCh37_chr17:41243136-41244335; plus strand). Cytogenetic location: 17q21.31.
Variant type: single nucleotide variant.
Coding change: c.3613G>T on transcript NM_007294.4 (MANE Select); coding-DNA position 3613, G replaced by T.
Protein change: p.Gly1205Trp; replaces glycine 1205 with tryptophan.
Molecular consequence: missense variant. On other transcripts: intron variant (135).
Genome position (GRCh38, 1-based): chr17:43,091,918, C>A on the plus strand (G>T on the coding strand, the complement: BRCA1 is on the minus strand). VCF-style: chr17-43091918-C-A. GRCh37 (hg19) VCF-style: chr17-41243935-C-A.
Other names: c.3400G>T, p.Gly1134Trp (NM_001407571.1, NM_001407853.1, NM_001407894.1 and 9 more transcripts); c.3613G>T, p.Gly1205Trp (NM_001407581.1, NM_001407582.1, NM_001407583.1 and 30 more transcripts); c.3610G>T, p.Gly1204Trp (NM_001407587.1, NM_001407590.1, NM_001407591.1 and 22 more transcripts); c.3604G>T, p.Gly1202Trp (NM_001407646.1, NM_001407647.1); c.3490G>T, p.Gly1164Trp (NM_001407648.1, NM_001407664.1, NM_001407665.1 and 19 more transcripts); c.3487G>T, p.Gly1163Trp (NM_001407649.1, NM_001407670.1, NM_001407671.1 and 11 more transcripts); c.3535G>T, p.Gly1179Trp (NM_001407653.1, NM_001407654.1, NM_001407655.1 and 4 more transcripts); c.3532G>T, p.Gly1178Trp (NM_001407659.1, NM_001407660.1, NM_001407661.1 and 1 more transcripts); and 41 more; short protein forms G1037W, G1116W, G1157W, G1158W, G1164W, G1205W, G337W, G909W.
Identifiers: ClinVar variation 3481865 (VCV003481865.1).

ClinVar aggregate classification (germline): Uncertain significance (1 of 4 stars; one submission).

Conditions:
Hereditary cancer-predisposing syndrome. Also called: Tumor predisposition; Neoplastic Syndromes, Hereditary; Hereditary Cancer Syndrome; Hereditary neoplastic syndrome. Identifiers: Orphanet 140162, MedGen C0027672, MeSH D009386, MONDO:0015356.

Submission:

Ambry Genetics
Classification: Uncertain significance for Hereditary cancer-predisposing syndrome. Last evaluated: 2024-09-23. Review status: criteria provided, single submitter. Criteria: Ambry Variant Classification Scheme 2023. Collection method: clinical testing. Allele origin: germline.
Comment: The p.G1205W variant (also known as c.3613G>T), located in coding exon 9 of the BRCA1 gene, results from a G to T substitution at nucleotide position 3613. The glycine at codon 1205 is replaced by tryptophan, an amino acid with highly dissimilar properties. This amino acid position is conserved. In addition, this alteration is predicted to be tolerated by in silico analysis. Based on the available evidence, the clinical significance of this variant remains unclear.